The following is an entry in ClinVar:

NM_000276.4(OCRL):c.943C>T (p.Gln315Ter)

Gene: OCRL (OCRL inositol polyphosphate-5-phosphatase; plus strand). Cytogenetic location: Xq26.1.
Variant type: single nucleotide variant.
Coding change: c.943C>T on transcript NM_000276.4 (MANE Select); coding-DNA position 943, C replaced by T.
Protein change: p.Gln315Ter; replaces glutamine 315 with a stop codon.
Molecular consequence: nonsense.
Genome position (GRCh38, 1-based): chrX:129,562,387, C>T. VCF-style: chrX-129562387-C-T. GRCh37 (hg19) VCF-style: chrX-128696364-C-T.
Other names: c.946C>T, p.Gln316Ter (NM_001318784.2); c.943C>T, p.Gln315Ter (NM_001587.4); short protein forms Q316*, Q315*.
Identifiers: ClinVar variation 2041949 (VCV002041949.4), dbSNP rs2521888798, ClinGen allele CA414552455.

ClinVar aggregate classification (germline): Pathogenic (1 of 4 stars; one submission).

Conditions:
Lowe syndrome (OCRL). Also called: LOWE OCULOCEREBRORENAL SYNDROME; PHOSPHATIDYLINOSITOL 4,5-BISPHOSPHATE 5-PHOSPHATASE DEFICIENCY; Oculocerebrorenal Syndrome. Identifiers: Orphanet 534, MedGen C0028860, MONDO:0010645, OMIM 309000.

Submission:

Labcorp Genetics (formerly Invitae), Labcorp
Classification: Pathogenic for Lowe syndrome. Last evaluated: 2021-12-13. Review status: criteria provided, single submitter. Criteria: Invitae Variant Classification Sherloc (09022015). Collection method: clinical testing. Allele origin: germline.
Comment: This sequence change creates a premature translational stop signal (p.Gln315*) in the OCRL gene. It is expected to result in an absent or disrupted protein product. Loss-of-function variants in OCRL are known to be pathogenic (PMID: 19390221, 21031565, 22381590). This variant is not present in population databases (gnomAD no frequency). This premature translational stop signal has been observed in individual(s) with Lowe syndrome (PMID: 27708066). For these reasons, this variant has been classified as Pathogenic.

Literature cited by the submitters: PubMed 19390221; PubMed 21031565; PubMed 22381590; PubMed 27708066.